The following is an entry in ClinVar:

ClinVar aggregate classification (germline): Uncertain significance (1 of 4 stars; one submission).

Submission:

Labcorp Genetics (formerly Invitae), Labcorp
Classification: Uncertain significance. Last evaluated: 2024-11-07. Review status: criteria provided, single submitter. Criteria: Invitae Variant Classification Sherloc (09022015). Collection method: clinical testing. Allele origin: germline.
Comment: This sequence change replaces methionine, which is neutral and non-polar, with valine, which is neutral and non-polar, at codon 155 of the SLC2A9 protein (p.Met155Val). This variant is present in population databases (rs369512758, gnomAD 0.03%). This missense change has been observed in individual(s) with hypouricemia (PMID: 34572357). This variant is also known as p.Met126Val. An algorithm developed to predict the effect of missense changes on protein structure and function (PolyPhen-2) suggests that this variant is likely to be disruptive. Experimental studies have shown that this missense change affects SLC2A9 function (PMID: 34572357). In summary, the available evidence is currently insufficient to determine the role of this variant in disease. Therefore, it has been classified as a Variant of Uncertain Significance.

Literature cited by the submitters: PubMed 34572357.

NM_020041.3(SLC2A9):c.463A>G (p.Met155Val)

Gene: SLC2A9 (solute carrier family 2 member 9; minus strand). Cytogenetic location: 4p16.1.
Variant type: single nucleotide variant.
Coding change: c.463A>G on transcript NM_020041.3 (MANE Select); coding-DNA position 463, A replaced by G.
Protein change: p.Met155Val; replaces methionine 155 with valine.
Molecular consequence: missense variant.
Genome position (GRCh38, 1-based): chr4:9,985,741, T>C on the plus strand (A>G on the coding strand, the complement: SLC2A9 is on the minus strand). VCF-style: chr4-9985741-T-C. GRCh37 (hg19) VCF-style: chr4-9987365-T-C.
Other names: c.376A>G, p.Met126Val (NM_001001290.2); short protein forms M155V, M126V.
Identifiers: ClinVar variation 3715306 (VCV003715306.2).
Genomic context (GRCh38, chr4:9,985,741, plus strand): 5'-CCATGATGAAGCGTCCCACGATGAGCATTTCAAAGGCTCCTGCCTGGAGCGAGCAGGCCA[T>C]CAGCAATGCAGCAGAAATTGCAAACCCATTATTGGCCAGCAAAGTGTGCTTCCTGGAAAG-3'
Protein context (NP_064425.2, residues 145-165): NGFAISAALL[Met155Val]ACSLQAGAFE